The following is an entry in ClinVar:

ClinVar aggregate classification (germline): Likely benign (1 of 4 stars; one submission).

Conditions:
Alexander disease (ALXDRD). Also called: Alexander's disease. Identifiers: Orphanet 58, MedGen C0270726, MONDO:0008752, OMIM 203450.

Submission:

Service de Biochimie Médicale et Biologie Moléculaire, CHU Clermont-Ferrand
Classification: Likely benign for Alexander disease. Last evaluated: 2020-05-15. Review status: criteria provided, single submitter. Criteria: ACMG Guidelines, 2015. Collection method: clinical testing. Allele origin: unknown. Inheritance: Autosomal dominant inheritance. Affected: yes. Observed: 1 heterozygote.
Comment: Silent variant for which splicing prediction algorithms predict no impact Position not conserved between species. Other silent variant in the same position c.858G>A classified as benign.

NM_002055.5(GFAP):c.858G>C (p.Arg286=)

Gene: GFAP (glial fibrillary acidic protein; minus strand). Cytogenetic location: 17q21.31.
Variant type: single nucleotide variant.
Coding change: c.858G>C on transcript NM_002055.5 (MANE Select); coding-DNA position 858, G replaced by C.
Protein change: p.Arg286=; no amino-acid change (arginine 286 retained).
Molecular consequence: synonymous variant.
Genome position (GRCh38, 1-based): chr17:44,911,720, C>G on the plus strand (G>C on the coding strand, the complement: GFAP is on the minus strand). VCF-style: chr17-44911720-C-G. GRCh37 (hg19) VCF-style: chr17-42989088-C-G.
Other names: c.858G>C, p.Arg286= (NM_001131019.3, NM_001242376.3, NM_001363846.2).
Identifiers: ClinVar variation 917886 (VCV000917886.1), dbSNP rs2289681, ClinGen allele CA500321402.
Genomic context (GRCh38, chr17:44,911,720, plus strand): 5'-GGCCGCGCTCACCGTGCCGCGCAGAGACTCCAGGTCGCAGGTCAAGGACTGCAACTGGCG[C>G]CGGTAGTCGTTGGCTTCGTGCTTGGCCTGGCGGAGCAGCTCCGCGTTGCGGGCAGCAGCG-3'
Protein context (NP_002046.1, residues 276-296): RQAKHEANDY[Arg286=]RQLQSLTCDL